The following is an entry in ClinVar:

ClinVar aggregate classification (germline): Uncertain significance. Review status: criteria provided, multiple submitters, no conflicts (2 of 4 stars). 2 submissions from 2 submitters: Uncertain significance (2). Last evaluated 2026-07-06.

Conditions:
Breast-ovarian cancer, familial, susceptibility to, 2 (BROVCA2). Also called: BRCA2 Hereditary Breast and Ovarian Cancer. Identifiers: Orphanet 145, MedGen C2675520, MONDO:0012933, OMIM 612555. Disease mechanism: loss of function.
Hereditary cancer-predisposing syndrome. Also called: Neoplastic Syndromes, Hereditary; Tumor predisposition; Hereditary neoplastic syndrome; Hereditary Cancer Syndrome. Identifiers: Orphanet 140162, MedGen C0027672, MeSH D009386, MONDO:0015356.

Submissions (2):

KCCC/NGS Laboratory, Kuwait Cancer Control Center
Classification: Uncertain significance for Breast-ovarian cancer, familial, susceptibility to, 2. Last evaluated: 2026-07-06. Review status: criteria provided, single submitter. Criteria: ACMG Guidelines, 2015. Collection method: clinical testing. Allele origin: germline. Inheritance: Autosomal dominant inheritance. Affected: yes.
Comment: A Variant of uncertain significance was detected in BRCA2 gene ( c.8116A>C​​​​​​​, NM_000059.3​​​​​​​). Thep.Asn2706His variant (also known as c.8116A>C), located in coding exon 18 of the BRCA2 gene, results from an A to C substitution at nucleotide position 8116. The asparagine at codon 2706 is replaced by histidine, an amino acid with similar properties. This amino acid position is conserved. In addition, this alteration is predicted to be tolerated by in silico analysis. Based on the available evidence, the clinical significance of this variant remains unclear. ​​​​​​​

Ambry Genetics
Classification: Uncertain significance for Hereditary cancer-predisposing syndrome. Last evaluated: 2024-12-29. Review status: criteria provided, single submitter. Criteria: Ambry Variant Classification Scheme 2023. Collection method: clinical testing. Allele origin: germline.
Comment: The p.N2706H variant (also known as c.8116A>C), located in coding exon 17 of the BRCA2 gene, results from an A to C substitution at nucleotide position 8116. The asparagine at codon 2706 is replaced by histidine, an amino acid with similar properties. This amino acid position is conserved. In addition, this alteration is predicted to be tolerated by in silico analysis. Based on the available evidence, the clinical significance of this variant remains unclear.

NM_000059.4(BRCA2):c.8116A>C (p.Asn2706His)

Gene: BRCA2 (BRCA2 DNA repair associated; plus strand). Cytogenetic location: 13q13.1.
Variant type: single nucleotide variant.
Coding change: c.8116A>C on transcript NM_000059.4 (MANE Select); coding-DNA position 8116, A replaced by C.
Protein change: p.Asn2706His; replaces asparagine 2706 with histidine.
Molecular consequence: missense variant. On other transcripts: non-coding transcript variant (1).
Genome position (GRCh38, 1-based): chr13:32,363,318, A>C. VCF-style: chr13-32363318-A-C. GRCh37 (hg19) VCF-style: chr13-32937455-A-C.
Other names: c.8020A>C, p.Asn2674His (NM_001406719.1); c.8116A>C, p.Asn2706His (NM_001406720.1, NM_001432077.1); c.3184A>C, p.Asn1062His (NM_001406721.1); c.1699A>C, p.Asn567His (NM_001406722.1); short protein forms N567H, N2674H, N1062H, N2706H.
Identifiers: ClinVar variation 3825408 (VCV003825408.2).
Genomic context (GRCh38, chr13:32,363,318, plus strand): 5'-CTTGTTCTCTGTGTTTCTGACATAATTTCATTGAGCGCAAATATATCTGAAACTTCTAGC[A>C]ATAAAACTAGTAGTGCAGATACCCAAAAAGTGGCCATTATTGAACTTACAGATGGGTGGT-3'
Protein context (NP_000050.3, residues 2696-2716): LSANISETSS[Asn2706His]KTSSADTQKV